The following is an entry in ClinVar:

ClinVar aggregate classification (germline): Uncertain significance (1 of 4 stars; one submission).

Allele frequency attached by ClinVar (database versions not stated): gnomAD exomes below 0.00001; gnomAD 0.00001.
gnomAD v4.1: 4 of 1,613,954 alleles (0.00025%); highest among the groups gnomAD compares: African/African-American, 0.0027%; no homozygotes.

Submission:

Labcorp Genetics (formerly Invitae), Labcorp
Classification: Uncertain significance. Last evaluated: 2022-08-08. Review status: criteria provided, single submitter. Criteria: Invitae Variant Classification Sherloc (09022015). Collection method: clinical testing. Allele origin: germline.
Comment: This variant is not present in population databases (gnomAD no frequency). This sequence change falls in intron 3 of the ERBB2 gene. It does not directly change the encoded amino acid sequence of the ERBB2 protein. This variant has not been reported in the literature in individuals affected with ERBB2-related conditions. Algorithms developed to predict the effect of sequence changes on RNA splicing suggest that this variant may disrupt the consensus splice site. In summary, the available evidence is currently insufficient to determine the role of this variant in disease. Therefore, it has been classified as a Variant of Uncertain Significance.

NM_004448.4(ERBB2):c.440-10C>T

Gene: ERBB2 (erb-b2 receptor tyrosine kinase 2; plus strand). Cytogenetic location: 17q12.
Variant type: single nucleotide variant.
Coding change: c.440-10C>T on transcript NM_004448.4 (MANE Select); 10 bases into the intron before coding-DNA position 440, C replaced by T.
Molecular consequence: intron variant. On other transcripts: missense variant (1).
Genome position (GRCh38, 1-based): chr17:39,709,308, C>T. VCF-style: chr17-39709308-C-T. GRCh37 (hg19) VCF-style: chr17-37865561-C-T.
Other names: c.505C>T, p.His169Tyr (NM_001382787.1); c.350-10C>T (NM_001382782.1, NM_001005862.3, NM_001289938.2 and 1 more transcripts); c.395-10C>T (NM_001289936.2); c.440-10C>T (NM_001382784.1, NM_001382786.1, NM_001382789.1 and 17 more transcripts); c.440-550C>T (NM_001382799.1); c.431-10C>T (NM_001382791.1); c.74-2620C>T (NM_001382804.1); short protein forms H169Y.
Identifiers: ClinVar variation 1985416 (VCV001985416.4), dbSNP rs2058654760, ClinGen allele CA983624158.